The following is an entry in ClinVar:

ClinVar aggregate classification (germline): Conflicting classifications of pathogenicity. Review status: criteria provided, conflicting classifications (1 of 4 stars). 2 submissions from 2 submitters: Uncertain significance (1); Likely benign (1). Last evaluated 2024-06-04.

Conditions:
Neurodevelopmental disorder with dysmorphic facies and distal skeletal anomalies. Identifiers: MedGen C5231448, MONDO:0032855, OMIM 618659.

Allele frequency attached by ClinVar (database versions not stated): ExAC 0.00001; gnomAD 0.00001; gnomAD exomes 0.00001; TOPMed 0.00002.
gnomAD v4.1: 24 of 1,607,900 alleles (0.0015%); highest among the groups gnomAD compares: Admixed American, 0.0051%; no homozygotes.

Submissions (2):

Labcorp Genetics (formerly Invitae), Labcorp
Classification: Likely benign. Last evaluated: 2024-06-04. Review status: criteria provided, single submitter. Criteria: Invitae Variant Classification Sherloc (09022015). Collection method: clinical testing. Allele origin: germline.

New York Genome Center
Classification: Uncertain significance for Neurodevelopmental disorder with dysmorphic facies and distal skeletal anomalies. Last evaluated: 2021-07-02. Review status: criteria provided, single submitter. Criteria: NYGC Assertion Criteria 2020. Collection method: clinical testing. Allele origin: inherited. Observed: 1 heterozygote. Study: CSER-NYCKidSeq.
Comment: The inherited heterozygous c.1556C>T (p.Pro519Leu) missense variant identified in the ZMIZ1 gene has not been reported in affected individuals in the literature. The variant has 0.00001314 allele frequency in the gnomAD(v3) database (2 out of 152184 heterozygous alleles, no homozygotes) suggesting it is not a common benign variant in the populations represented in that database. The variant affects an evolutionarily conserved residue and is predicted deleterious by multiple in silico prediction tools (CADD score = 28.1, REVEL score = 0.543). Based on the available evidence, the inherited heterozygousc.1556C>T (p.Pro519Leu) missense variant identified in the ZMIZ1 gene is reported as a variant of uncertain significance.

NM_020338.4(ZMIZ1):c.1556C>T (p.Pro519Leu)

Gene: ZMIZ1 (zinc finger MIZ-type containing 1; plus strand). Cytogenetic location: 10q22.3.
Variant type: single nucleotide variant.
Coding change: c.1556C>T on transcript NM_020338.4 (MANE Select); coding-DNA position 1556, C replaced by T.
Protein change: p.Pro519Leu; replaces proline 519 with leucine.
Molecular consequence: missense variant.
Genome position (GRCh38, 1-based): chr10:79,298,470, C>T. VCF-style: chr10-79298470-C-T. GRCh37 (hg19) VCF-style: chr10-81058227-C-T.
Other names: short protein forms P519L.
Identifiers: ClinVar variation 1679673 (VCV001679673.6), dbSNP rs775764570, ClinGen allele CA5572727.
Genomic context (GRCh38, chr10:79,298,470, plus strand): 5'-CCAGGCCGGTTCCTGTGGCAAATTACCCCCACTCACCTGTTCCAGGGAACCCCACACCCC[C>T]CATGACCCCTGGGAGCAGCATCCCTCCATACCTGTCCCCCAGCCAAGACGTCAAACCACC-3'
Protein context (NP_065071.1, residues 509-529): HSPVPGNPTP[Pro519Leu]MTPGSSIPPY